The following is an entry in ClinVar:

NM_001844.5(COL2A1):c.581C>T (p.Ala194Val)

Gene: COL2A1 (collagen type II alpha 1 chain; minus strand). Cytogenetic location: 12q13.11.
Variant type: single nucleotide variant.
Coding change: c.581C>T on transcript NM_001844.5 (MANE Select); coding-DNA position 581, C replaced by T.
Protein change: p.Ala194Val; replaces alanine 194 with valine.
Molecular consequence: missense variant.
Genome position (GRCh38, 1-based): chr12:47,996,576, G>A on the plus strand (C>T on the coding strand, the complement: COL2A1 is on the minus strand). VCF-style: chr12-47996576-G-A. GRCh37 (hg19) VCF-style: chr12-48390359-G-A.
Other names: c.374C>T, p.Ala125Val (NM_033150.3); short protein forms A125V, A194V.
Identifiers: ClinVar variation 1053398 (VCV001053398.10), dbSNP rs2136622114, ClinGen allele CA384524184.

ClinVar aggregate classification (germline): Uncertain significance (1 of 4 stars; one submission).

Submission:

Labcorp Genetics (formerly Invitae), Labcorp
Classification: Uncertain significance. Last evaluated: 2022-07-25. Review status: criteria provided, single submitter. Criteria: Invitae Variant Classification Sherloc (09022015). Collection method: clinical testing. Allele origin: germline.
Comment: This sequence change replaces alanine, which is neutral and non-polar, with valine, which is neutral and non-polar, at codon 194 of the COL2A1 protein (p.Ala194Val). In summary, the available evidence is currently insufficient to determine the role of this variant in disease. Therefore, it has been classified as a Variant of Uncertain Significance. Advanced modeling of protein sequence and biophysical properties (such as structural, functional, and spatial information, amino acid conservation, physicochemical variation, residue mobility, and thermodynamic stability) performed at Invitae indicates that this missense variant is not expected to disrupt COL2A1 protein function. ClinVar contains an entry for this variant (Variation ID: 1053398). This variant has not been reported in the literature in individuals affected with COL2A1-related conditions. This variant is not present in population databases (gnomAD no frequency).